The following is an entry in ClinVar:

NM_001127208.3(TET2):c.3174G>T (p.Met1058Ile)

Genes: TET2 (tet methylcytosine dioxygenase 2; plus strand), TET2-AS1 (TET2 antisense RNA 1; minus strand). Cytogenetic location: 4q24.
Variant type: single nucleotide variant.
Coding change: c.3174G>T on transcript NM_001127208.3 (MANE Select); coding-DNA position 3174, G replaced by T.
Protein change: p.Met1058Ile; replaces methionine 1058 with isoleucine.
Molecular consequence: missense variant.
Genome position (GRCh38, 1-based): chr4:105,237,116, G>T. VCF-style: chr4-105237116-G-T. GRCh37 (hg19) VCF-style: chr4-106158273-G-T.
Other names: c.3174G>T, p.Met1058Ile (NM_017628.4); short protein forms M1058I.
Identifiers: ClinVar variation 4183001 (VCV004183001.1).
Genomic context (GRCh38, chr4:105,237,116, plus strand): 5'-GTCGTTATTTGACCATAAGGCTCTTACTCTCAAATCACAGAAGCAAGTAAAAGTTGAAAT[G>T]TCAGGGCCAGTCACAGTTTTGACTAGACAAACCACTGCTGCAGAACTTGATAGCCACACC-3'
Protein context (NP_001120680.1, residues 1048-1068): LKSQKQVKVE[Met1058Ile]SGPVTVLTRQ

ClinVar aggregate classification (germline): Uncertain significance (1 of 4 stars; one submission).

Submission:

Ambry Genetics
Classification: Uncertain significance. Last evaluated: 2025-08-02. Review status: criteria provided, single submitter. Criteria: Ambry Variant Classification Scheme 2023. Collection method: clinical testing. Allele origin: germline.
Comment: The p.M1058I variant (also known as c.3174G>T), located in coding exon 1 of the TET2 gene, results from a G to T substitution at nucleotide position 3174. The methionine at codon 1058 is replaced by isoleucine, an amino acid with highly similar properties. This amino acid position is conserved. In addition, this alteration is predicted to be tolerated by in silico analysis. Based on the available evidence, the clinical significance of this variant remains unclear.